The following is an entry in ClinVar:

ClinVar aggregate classification (germline): Pathogenic. Review status: criteria provided, multiple submitters, no conflicts (2 of 4 stars). 2 submissions from 2 submitters: Pathogenic (2). Last evaluated 2022-09-02.

Conditions:
Hypertrophic cardiomyopathy 4. Also called: Familial hypertrophic cardiomyopathy 4. Identifiers: MedGen C1861862, MONDO:0007268, OMIM 115197.
Hypertrophic cardiomyopathy. Also called: HYPERTROPHIC MYOCARDIOPATHY. Identifiers: Orphanet 217569, MedGen C0007194, MeSH D002312, MONDO:0005045, HP:0001639.

Submissions (2):

Victorian Clinical Genetics Services, Murdoch Childrens Research Institute
Classification: Pathogenic for Hypertrophic cardiomyopathy 4. Last evaluated: 2022-09-02. Review status: criteria provided, single submitter. Criteria: ACMG Guidelines, 2015. Collection method: clinical testing. Allele origin: germline. Inheritance: Autosomal dominant inheritance.
Comment: Based on the classification scheme VCGS_Germline_v1.3.4, this variant is classified as Pathogenic. Following criteria are met: 0102 - Loss of function is a known mechanism of disease in this gene and is associated with hypertrophic cardiomyopathy 4 (HCM; MIM#115197). (I) 0108 - This gene is associated with both recessive and dominant disease. Dominant inheritance is frequently reported in adult onset conditions, however recessive inheritance results in a more severe early onset phenotype (OMIM). (I) 0115 - Variants in this gene are known to have variable expressivity (PMID: 32841044). (I) 0211 - Canonical splice site variant without proven consequence on splicing (no functional evidence available). (SP) 0251 - This variant is heterozygous. (I) 0301 - Variant is absent from gnomAD (both v2 and v3). (SP) 0311 - An alternative nucleotide change at the same canonical splice site, is present in gnomAD (v2) at a frequency of 0.00002890 (5 heterozygotes, 0 homozygotes). (SB) 0701 - Other splice variants comparable to the one identified in this case have very strong previous evidence for pathogenicity. Affecting the same nucleotide, both c.821+1G>A and c.821+1G>C have been reported pathogenic for HCM, as well as c.821+2T>A and c.821+2T>C, affecting the adjacent nucleotide of this canonical splice site (ClinVar). (SP) 0803 - This variant has limited previous evidence of pathogenicity. It has been regarded pathogenic for HCM in ClinVar. (SP) 0905 - No published segregation evidence has been identified for this variant. (I) 1007 - No published functional evidence has been identified for this variant. (I) Legend: (SP) - Supporting pathogenic, (I) - Information, (SB) - Supporting benign

Labcorp Genetics (formerly Invitae), Labcorp
Classification: Pathogenic for Hypertrophic cardiomyopathy. Last evaluated: 2019-03-05. Review status: criteria provided, single submitter. Criteria: Invitae Variant Classification Sherloc (09022015). Collection method: clinical testing. Allele origin: germline.
Comment: This sequence change affects a donor splice site in intron 7 of the MYBPC3 gene. It is expected to disrupt RNA splicing and likely results in an absent or disrupted protein product. This variant is not present in population databases (ExAC no frequency). Disruption of this splice site has been observed in individuals affected with hypertrophic cardiomyopathy (PMID: 26914223, 23782526). Donor and acceptor splice site variants typically lead to a loss of protein function (PMID: 16199547), and loss-of-function variants in MYBPC3 are known to be pathogenic (PMID: 19574547). For these reasons, this variant has been classified as Pathogenic.

Literature cited by the submitters: PubMed 32841044 (cited by Victorian Clinical Genetics Services, Murdoch Childrens Research Institute); PubMed 23782526 (cited by Labcorp Genetics (formerly Invitae), Labcorp); PubMed 19574547 (cited by Labcorp Genetics (formerly Invitae), Labcorp); PubMed 26914223 (cited by Labcorp Genetics (formerly Invitae), Labcorp).

NM_000256.3(MYBPC3):c.821+1G>T

Gene: MYBPC3 (myosin binding protein C3; minus strand). Cytogenetic location: 11p11.2.
Variant type: single nucleotide variant.
Coding change: c.821+1G>T on transcript NM_000256.3 (MANE Select); the canonical splice donor site of the intron after coding-DNA position 821, G replaced by T.
Molecular consequence: splice donor variant.
Genome position (GRCh38, 1-based): chr11:47,347,856, C>A on the plus strand (G>T on the coding strand, the complement: MYBPC3 is on the minus strand). VCF-style: chr11-47347856-C-A. GRCh37 (hg19) VCF-style: chr11-47369407-C-A.
Identifiers: ClinVar variation 850376 (VCV000850376.2), dbSNP rs397516073, ClinGen allele CA380333739.
Genomic context (GRCh38, chr11:47,347,856, plus strand): 5'-ACCCTGAAGGGCCTCAGACTCCAGCACTGGCCTCCCCCAGGCCCTGAGGATGGCCACTCA[C>A]GTGCGGCGGAAGGCTGATAGGAGGTCCAGGTCTCCGGTGCCCATGGCCTCTGGGTTCAAA-3'